The following is an entry in ClinVar:

NM_001017980.4(VMA21):c.54-27A>G

Gene: VMA21 (vacuolar ATPase assembly factor VMA21; plus strand). Cytogenetic location: Xq28.
Variant type: single nucleotide variant.
Coding change: c.54-27A>G on transcript NM_001017980.4 (MANE Select); 27 bases into the intron before coding-DNA position 54, A replaced by G.
Molecular consequence: intron variant.
Genome position (GRCh38, 1-based): chrX:151,403,604, A>G. VCF-style: chrX-151403604-A-G. GRCh37 (hg19) VCF-style: chrX-150572076-A-G.
Other names: c.219-27A>G (NM_001363810.1).
Identifiers: ClinVar variation 2088554 (VCV002088554.4), dbSNP rs878854352, ClinGen allele CA2580101653.

ClinVar aggregate classification (germline): Uncertain significance (1 of 4 stars; one submission).

Conditions:
X-linked myopathy with excessive autophagy (AVM). Also called: Vacuolar myopathy; Autophagic vacuolar myopathy. Identifiers: Orphanet 25980, MedGen C1839615, MONDO:0010684, OMIM 310440.

Submission:

Labcorp Genetics (formerly Invitae), Labcorp
Classification: Uncertain significance for X-linked myopathy with excessive autophagy. Last evaluated: 2022-02-22. Review status: criteria provided, single submitter. Criteria: Invitae Variant Classification Sherloc (09022015). Collection method: clinical testing. Allele origin: germline.
Comment: In summary, the available evidence is currently insufficient to determine the role of this variant in disease. Therefore, it has been classified as a Variant of Uncertain Significance. Algorithms developed to predict the effect of sequence changes on RNA splicing suggest that this variant may disrupt the consensus splice site. This variant has not been reported in the literature in individuals affected with VMA21-related conditions. This variant is not present in population databases (gnomAD no frequency). This sequence change falls in intron 1 of the VMA21 gene. It does not directly change the encoded amino acid sequence of the VMA21 protein.